The following is an entry in ClinVar:

NM_032977.4(CASP10):c.*1688A>G

Gene: CASP10 (caspase 10; plus strand). Cytogenetic location: 2q33.1.
Variant type: single nucleotide variant.
Coding change: c.*1688A>G on transcript NM_032977.4 (MANE Select); 1688 bases downstream of the stop codon, A replaced by G.
Molecular consequence: 3 prime UTR variant. On other transcripts: intron variant (2).
Genome position (GRCh38, 1-based): chr2:201,219,429, A>G. VCF-style: chr2-201219429-A-G. GRCh37 (hg19) VCF-style: chr2-202084152-A-G.
Other names: c.*1688A>G (NM_001206524.2, NM_001230.5); c.*2343A>G (NM_032976.4); c.1416-9504A>G (NM_032974.5); c.1287-9504A>G (NM_001206542.2).
Identifiers: ClinVar variation 333466 (VCV000333466.5), dbSNP rs41515650, ClinGen allele CA10613471.
Genomic context (GRCh38, chr2:201,219,429, plus strand): 5'-TCACATTGAAACCCAGGAGTGGATAACACTGGCTTCAGGCAAAGCTTGAATCAGGACTCA[A>G]TCTACAGGCCAGCACCTTTCTCTTGGCCGGATGTCCTCAGGGCTGGCAGATGCAGTAGAC-3'

ClinVar aggregate classification (germline): Benign (1 of 4 stars; one submission).

Conditions:
Autoimmune lymphoproliferative syndrome type 2A (ALPS2A). Also called: CASP10-Related Autoimmune Lymphoproliferative Syndrome; AUTOIMMUNE LYMPHOPROLIFERATIVE SYNDROME, TYPE IIA; Autoimmune lymphoproliferative syndrome type 2. Identifiers: Orphanet 3261, MedGen C1858968, MONDO:0011383, OMIM 603909.

Allele frequency attached by ClinVar (database versions not stated): gnomAD exomes 0.00014; gnomAD 0.00180 and 0.00191; TOPMed 0.00209; 1000 Genomes Project 0.00240; 1000 Genomes Project 30x 0.00265.
gnomAD v4.1: 390 of 985,440 alleles (0.04%); highest among the groups gnomAD compares: African/African-American, 0.62%; 3 homozygotes.

Submission:

Illumina Laboratory Services, Illumina
Classification: Benign for Autoimmune lymphoproliferative syndrome type 2A. Last evaluated: 2018-01-12. Review status: criteria provided, single submitter. Criteria: ICSL Variant Classification Criteria 13 December 2019. Collection method: clinical testing. Allele origin: germline.
Comment: This variant was observed in the ICSL laboratory as part of a predisposition screen in an ostensibly healthy population. It had not been previously curated by ICSL or reported in the Human Gene Mutation Database (HGMD: prior to June 1st, 2018), and was therefore a candidate for classification through an automated scoring system. Utilizing variant allele frequency, disease prevalence and penetrance estimates, and inheritance mode, an automated score was calculated to assess if this variant is too frequent to cause the disease. Based on the score and internal cut-off values, a variant classified as benign is not then subjected to further curation. The score for this variant resulted in a classification of benign for this disease.